The following is an entry in ClinVar:

NM_000981.4(RPL19):c.534G>A (p.Gln178=)

Gene: RPL19 (ribosomal protein L19; plus strand). Cytogenetic location: 17q12.
Variant type: single nucleotide variant.
Coding change: c.534G>A on transcript NM_000981.4 (MANE Select); coding-DNA position 534, G replaced by A.
Protein change: p.Gln178=; no amino-acid change (glutamine 178 retained).
Molecular consequence: synonymous variant.
Genome position (GRCh38, 1-based): chr17:39,204,591, G>A. VCF-style: chr17-39204591-G-A. GRCh37 (hg19) VCF-style: chr17-37360844-G-A.
Other names: c.528G>A, p.Gln176= (NM_001330200.1).
Identifiers: ClinVar variation 1166595 (VCV001166595.13), dbSNP rs72823350, ClinGen allele CA8528966.

ClinVar aggregate classification (germline): Benign/Likely benign. Review status: criteria provided, multiple submitters, no conflicts (2 of 4 stars). 3 submissions from 3 submitters: Benign (1); Likely benign (1). 1 of the submissions does not count toward it. Last evaluated 2026-01-19.

Conditions:
Diamond-Blackfan anemia. Also called: Blackfan Diamond syndrome; Aregenerative anemia chronic congenital; Red cell aplasia, pure hereditary; Congenital hypoplastic anemia; Aase syndrome. Identifiers: Orphanet 124, MedGen C1260899, MeSH D029503, MONDO:0015253, HP:0004810.
RPL19-related disorder. Also called: RPL19-related condition.

Allele frequency attached by ClinVar (database versions not stated): ExAC 0.02168.

Submissions (3):

Labcorp Genetics (formerly Invitae), Labcorp
Classification: Benign. Last evaluated: 2026-01-19. Review status: criteria provided, single submitter. Criteria: Invitae Variant Classification Sherloc (09022015). Collection method: clinical testing. Allele origin: germline.

Ambry Genetics
Classification: Likely benign for Diamond-Blackfan anemia. Last evaluated: 2022-03-03. Review status: criteria provided, single submitter. Criteria: Ambry Variant Classification Scheme 2023. Collection method: clinical testing. Allele origin: germline.

PreventionGenetics, part of Exact Sciences
Classification: Likely benign for RPL19-related condition. Last evaluated: 2022-12-30. Review status: no assertion criteria provided. Collection method: clinical testing. Allele origin: germline. Not counted in ClinVar's aggregate classification.
Comment: This variant is classified as likely benign based on ACMG/AMP sequence variant interpretation guidelines (Richards et al. 2015 PMID: 25741868, with internal and published modifications).